The following is an entry in ClinVar:

NM_005560.6(LAMA5):c.7328T>C (p.Leu2443Ser)

Gene: LAMA5 (laminin subunit alpha 5; minus strand). Cytogenetic location: 20q13.33.
Variant type: single nucleotide variant.
Coding change: c.7328T>C on transcript NM_005560.6 (MANE Select); coding-DNA position 7328, T replaced by C.
Protein change: p.Leu2443Ser; replaces leucine 2443 with serine.
Molecular consequence: missense variant.
Genome position (GRCh38, 1-based): chr20:62,317,690, A>G on the plus strand (T>C on the coding strand, the complement: LAMA5 is on the minus strand). VCF-style: chr20-62317690-A-G. GRCh37 (hg19) VCF-style: chr20-60892746-A-G.
Other names: p.Leu2443Ser; short protein forms L2443S.
Identifiers: ClinVar variation 4542398 (VCV004542398.1).

ClinVar aggregate classification (germline): Uncertain significance (1 of 4 stars; one submission).

gnomAD v4.1: 73 of 1,599,624 alleles (0.0046%); highest among the groups gnomAD compares: African/African-American, 0.086%; 1 homozygote.

Submission:

Mayo Clinic Laboratories, Mayo Clinic
Classification: Uncertain significance. Last evaluated: 2025-10-27. Review status: criteria provided, single submitter. Criteria: ACMG Guidelines, 2015. Collection method: clinical testing. Allele origin: germline. Observed: 1 variant allele.
Comment: BP4_moderate